The following is an entry in ClinVar:

ClinVar aggregate classification (germline): Uncertain significance (1 of 4 stars; one submission).

Conditions:
Autoimmune lymphoproliferative syndrome, type III caused by mutation in PRKCD. Identifiers: Orphanet 3261, Orphanet 664711, MedGen C3809928, MONDO:8000024, OMIM 615559.

Allele frequency attached by ClinVar (database versions not stated): gnomAD exomes below 0.00001.
gnomAD v4.1: 2 of 1,614,192 alleles (0.00012%); highest among the groups gnomAD compares: East Asian, 0.0022%; no homozygotes.

Submission:

Labcorp Genetics (formerly Invitae), Labcorp
Classification: Uncertain significance for Autoimmune lymphoproliferative syndrome, type III caused by mutation in PRKCD. Last evaluated: 2022-08-19. Review status: criteria provided, single submitter. Criteria: Invitae Variant Classification Sherloc (09022015). Collection method: clinical testing. Allele origin: germline.
Comment: This sequence change replaces threonine, which is neutral and polar, with alanine, which is neutral and non-polar, at codon 141 of the PRKCD protein (p.Thr141Ala). This variant is not present in population databases (gnomAD no frequency). This variant has not been reported in the literature in individuals affected with PRKCD-related conditions. ClinVar contains an entry for this variant (Variation ID: 1472754). Algorithms developed to predict the effect of missense changes on protein structure and function are either unavailable or do not agree on the potential impact of this missense change (SIFT: "Tolerated"; PolyPhen-2: "Possibly Damaging"; Align-GVGD: "Class C0"). In summary, the available evidence is currently insufficient to determine the role of this variant in disease. Therefore, it has been classified as a Variant of Uncertain Significance.

NM_006254.4(PRKCD):c.421A>G (p.Thr141Ala)

Gene: PRKCD (protein kinase C delta; plus strand). Cytogenetic location: 3p21.1.
Variant type: single nucleotide variant.
Coding change: c.421A>G on transcript NM_006254.4 (MANE Select); coding-DNA position 421, A replaced by G.
Protein change: p.Thr141Ala; replaces threonine 141 with alanine.
Molecular consequence: missense variant.
Genome position (GRCh38, 1-based): chr3:53,181,488, A>G. VCF-style: chr3-53181488-A-G. GRCh37 (hg19) VCF-style: chr3-53215504-A-G.
Other names: c.421A>G, p.Thr141Ala (NM_001316327.2, NM_001354679.2, NM_001354680.2 and 1 more transcripts); c.478A>G, p.Thr160Ala (NM_001354676.2); c.469A>G, p.Thr157Ala (NM_001354678.2); short protein forms T141A, T160A, T157A.
Identifiers: ClinVar variation 1472754 (VCV001472754.3), dbSNP rs1703439359, ClinGen allele CA353233995.